The following is an entry in ClinVar:

NM_015338.6(ASXL1):c.1235C>G (p.Ser412Cys)

Gene: ASXL1 (ASXL transcriptional regulator 1; plus strand). Cytogenetic location: 20q11.21.
Variant type: single nucleotide variant.
Coding change: c.1235C>G on transcript NM_015338.6 (MANE Select); coding-DNA position 1235, C replaced by G.
Protein change: p.Ser412Cys; replaces serine 412 with cysteine.
Molecular consequence: missense variant.
Genome position (GRCh38, 1-based): chr20:32,433,433, C>G. VCF-style: chr20-32433433-C-G. GRCh37 (hg19) VCF-style: chr20-31021236-C-G.
Other names: c.1052C>G, p.Ser351Cys (NM_001363734.1); short protein forms S351C, S412C.
Identifiers: ClinVar variation 4588358 (VCV004588358.1).

ClinVar aggregate classification (germline): Uncertain significance (1 of 4 stars; one submission).

Conditions:
Inborn genetic diseases. Identifiers: MedGen C0950123, MeSH D030342.

Submission:

Ambry Genetics
Classification: Uncertain significance for Inborn genetic diseases. Last evaluated: 2025-11-03. Review status: criteria provided, single submitter. Criteria: Ambry Variant Classification Scheme 2023. Collection method: clinical testing. Allele origin: germline.
Comment: The p.S412C variant (also known as c.1235C>G), located in coding exon 12 of the ASXL1 gene, results from a C to G substitution at nucleotide position 1235. The serine at codon 412 is replaced by cysteine, an amino acid with dissimilar properties. This amino acid position is conserved. In addition, this alteration is predicted to be tolerated by in silico analysis. Based on the available evidence, the clinical significance of this variant remains unclear.